The following is an entry in ClinVar:

ClinVar aggregate classification (germline): Uncertain significance (1 of 4 stars; one submission).

Conditions:
Catecholaminergic polymorphic ventricular tachycardia 1. Also called: RYR2-Related Catecholaminergic Polymorphic Ventricular Tachycardia; VENTRICULAR TACHYCARDIA, STRESS-INDUCED POLYMORPHIC 1; VENTRICULAR TACHYCARDIA, CATECHOLAMINERGIC POLYMORPHIC, 1, WITH OR WITHOUT ATRIAL DYSFUNCTION AND/OR DILATED CARDIOMYOPATHY. Identifiers: Orphanet 3286, MedGen C1631597, MONDO:0011484, OMIM 604772.

Allele frequency attached by ClinVar (database versions not stated): gnomAD exomes 0.00001; ExAC 0.00002.
gnomAD v4.1: 7 of 1,596,184 alleles (0.00044%); highest among the groups gnomAD compares: South Asian, 0.0079%; no homozygotes.

Submission:

Labcorp Genetics (formerly Invitae), Labcorp
Classification: Uncertain significance for Catecholaminergic polymorphic ventricular tachycardia 1. Last evaluated: 2021-10-31. Review status: criteria provided, single submitter. Criteria: Invitae Variant Classification Sherloc (09022015). Collection method: clinical testing. Allele origin: germline.
Comment: In summary, the available evidence is currently insufficient to determine the role of this variant in disease. Therefore, it has been classified as a Variant of Uncertain Significance. Algorithms developed to predict the effect of missense changes on protein structure and function are either unavailable or do not agree on the potential impact of this missense change (SIFT: "Deleterious"; PolyPhen-2: "Probably Damaging"; Align-GVGD: "Class C0"). This variant has not been reported in the literature in individuals affected with TRDN-related conditions. This variant is present in population databases (rs777779916, gnomAD 0.01%). This sequence change replaces asparagine, which is neutral and polar, with histidine, which is basic and polar, at codon 698 of the TRDN protein (p.Asn698His).

NM_006073.4(TRDN):c.2092A>C (p.Asn698His)

Gene: TRDN (triadin; minus strand). Cytogenetic location: 6q22.31.
Variant type: single nucleotide variant.
Coding change: c.2092A>C on transcript NM_006073.4 (MANE Select); coding-DNA position 2092, A replaced by C.
Protein change: p.Asn698His; replaces asparagine 698 with histidine.
Molecular consequence: missense variant.
Genome position (GRCh38, 1-based): chr6:123,218,699, T>G on the plus strand (A>C on the coding strand, the complement: TRDN is on the minus strand). VCF-style: chr6-123218699-T-G. GRCh37 (hg19) VCF-style: chr6-123539844-T-G.
Other names: short protein forms N698H.
Identifiers: ClinVar variation 1412502 (VCV001412502.7), dbSNP rs777779916, ClinGen allele CA3983598.